The following is an entry in ClinVar:

ClinVar aggregate classification (germline): Uncertain significance (1 of 4 stars; one submission).

Submission:

Ambry Genetics
Classification: Uncertain significance. Last evaluated: 2025-03-24. Review status: criteria provided, single submitter. Criteria: Ambry Variant Classification Scheme 2023. Collection method: clinical testing. Allele origin: germline.
Comment: The c.457delC (p.H153Ifs*112) alteration, located in exon 2 (coding exon 2) of the BMP7 gene, consists of a deletion of one nucleotide at position 457, causing a translational frameshift with a predicted alternate stop codon after 112 amino acids. This alteration is expected to result in loss of function by premature protein truncation or nonsense-mediated mRNA decay. However, loss of function of BMP7 has not been established as a mechanism of disease. Based on data from the Genome Aggregation Database (gnomAD), the BMP7 c.457delC alteration was not observed, with coverage at this position. Based on insufficient or conflicting evidence, the clinical significance of this alteration remains unclear.

NM_001719.3(BMP7):c.457del (p.His153fs)

Gene: BMP7 (bone morphogenetic protein 7; minus strand). Cytogenetic location: 20q13.31.
Variant type: Deletion.
Coding change: c.457del on transcript NM_001719.3 (MANE Select); coding-DNA position 457, one base deleted (C; older notation c.457delC).
Protein change: p.His153fs; shifts the reading frame from histidine 153.
Molecular consequence: frameshift variant.
Genome position (GRCh38, 1-based): chr20:57,228,383, G deleted on the plus strand (C on the coding strand, the reverse complement: BMP7 is on the minus strand); the first of 2 consecutive G bases (chr20:57,228,383-57,228,384); deleting either gives the same sequence. VCF-style (leftmost placement, unchanged base first): chr20-57228382-TG-T. GRCh37 (hg19) VCF-style: chr20-55803438-TG-T.
Other names: short protein forms H153fs.
Identifiers: ClinVar variation 521039 (VCV000521039.6), dbSNP rs1555815731, ClinGen allele CA658799384.
Genomic context (GRCh38, chr20:57,228,382, plus strand): 5'-TCGGCTGCCGTGACAGCTTCCCCTTCTGGGATCTTGGAAAGATCAAACCGGAACTCTCGA[TG>T]GTGGTAGCGTGGGTGGAAGAATTCCTTGTCATGTTCCACTGGAAGAGGAAGAGAACACAC-3'